The following is an entry in ClinVar:

NM_000143.4(FH):c.1111A>G (p.Lys371Glu)

Gene: FH (fumarate hydratase; minus strand). Cytogenetic location: 1q43.
Variant type: single nucleotide variant.
Coding change: c.1111A>G on transcript NM_000143.4 (MANE Select); coding-DNA position 1111, A replaced by G.
Protein change: p.Lys371Glu; replaces lysine 371 with glutamic acid.
Molecular consequence: missense variant.
Genome position (GRCh38, 1-based): chr1:241,502,568, T>C on the plus strand (A>G on the coding strand, the complement: FH is on the minus strand). VCF-style: chr1-241502568-T-C. GRCh37 (hg19) VCF-style: chr1-241665868-T-C.
Other names: short protein forms K371E.
Identifiers: ClinVar variation 3653452 (VCV003653452.2).

ClinVar aggregate classification (germline): Uncertain significance (1 of 4 stars; one submission).

Submission:

Labcorp Genetics (formerly Invitae), Labcorp
Classification: Uncertain significance. Last evaluated: 2025-11-09. Review status: criteria provided, single submitter. Criteria: Invitae Variant Classification Sherloc (09022015). Collection method: clinical testing. Allele origin: germline.
Comment: This sequence change replaces lysine, which is basic and polar, with glutamic acid, which is acidic and polar, at codon 371 of the FH protein (p.Lys371Glu). This variant is not present in population databases (gnomAD no frequency). This variant has not been reported in the literature in individuals affected with FH-related conditions. ClinVar contains an entry for this variant (Variation ID: 3653452). An algorithm developed to predict the effect of missense changes on protein structure and function (PolyPhen-2) suggests that this variant is likely to be disruptive. In summary, the available evidence is currently insufficient to determine the role of this variant in disease. Therefore, it has been classified as a Variant of Uncertain Significance.